The following is an entry in ClinVar:

ClinVar aggregate classification (germline): Pathogenic. Review status: criteria provided, multiple submitters, no conflicts (2 of 4 stars). 2 submissions from 2 submitters: Pathogenic (2). Last evaluated 2024-12-12.

Conditions:
Neurofibromatosis, type 1 (NF1). Also called: VON RECKLINGHAUSEN DISEASE; Neurofibromatosis, type I; NEUROFIBROMATOSIS, TYPE I, SOMATIC; Peripheral type neurofibromatosis. Identifiers: Orphanet 636, MedGen C0027831, MONDO:0018975, OMIM 162200. Disease mechanism: loss of function.
Hereditary cancer-predisposing syndrome. Also called: Hereditary neoplastic syndrome; Hereditary Cancer Syndrome; Neoplastic Syndromes, Hereditary; Tumor predisposition. Identifiers: Orphanet 140162, MedGen C0027672, MeSH D009386, MONDO:0015356.
Cardiovascular phenotype. Identifiers: MedGen CN230736.

Submissions (2):

Ambry Genetics
Classification: Pathogenic for Cardiovascular phenotype; Hereditary cancer-predisposing syndrome. Last evaluated: 2024-12-12. Review status: criteria provided, single submitter. Criteria: Ambry Variant Classification Scheme 2023. Collection method: clinical testing. Allele origin: germline.
Comment: The c.2773_2774dupTT (p.L925Ffs*2) alteration, located in exon 21 (coding exon 21) of the NF1 gene, consists of a duplication of TT at position 2773, causing a translational frameshift with a predicted alternate stop codon after 2 amino acids. This alteration is expected to result in loss of function by premature protein truncation or nonsense-mediated mRNA decay. This variant was not reported in population-based cohorts in the Genome Aggregation Database (gnomAD). Based on the available evidence, this alteration is classified as pathogenic.

Labcorp Genetics (formerly Invitae), Labcorp
Classification: Pathogenic for Neurofibromatosis, type 1. Last evaluated: 2023-10-23. Review status: criteria provided, single submitter. Criteria: Invitae Variant Classification Sherloc (09022015). Collection method: clinical testing. Allele origin: germline.
Comment: This sequence change creates a premature translational stop signal (p.Leu925Phefs*2) in the NF1 gene. It is expected to result in an absent or disrupted protein product. Loss-of-function variants in NF1 are known to be pathogenic (PMID: 10712197, 23913538). This variant is not present in population databases (gnomAD no frequency). This variant has not been reported in the literature in individuals affected with NF1-related conditions. Algorithms developed to predict the effect of sequence changes on RNA splicing suggest that this variant may disrupt the consensus splice site. For these reasons, this variant has been classified as Pathogenic.

Literature cited by the submitters: PubMed 10712197 (cited by Labcorp Genetics (formerly Invitae), Labcorp); PubMed 23913538 (cited by Labcorp Genetics (formerly Invitae), Labcorp).

NM_001042492.3(NF1):c.2773_2774dup (p.Leu925fs)

Gene: NF1 (neurofibromin 1; plus strand). Cytogenetic location: 17q11.2.
Variant type: Duplication.
Coding change: c.2773_2774dup on transcript NM_001042492.3 (MANE Select); coding-DNA positions 2773 to 2774, 2 bases duplicated (TT; older notation c.2773_2774dupTT).
Protein change: p.Leu925fs; shifts the reading frame from leucine 925.
Molecular consequence: frameshift variant.
Genome position (GRCh38, 1-based): chr17:31,229,388-31,229,389, TT duplicated. VCF-style (leftmost placement, unchanged base first): chr17-31229387-A-ATT. GRCh37 (hg19) VCF-style: chr17-29556405-A-ATT.
Other names: c.2773_2774dupTT (NM_000267.3); c.2773_2774dup, p.Leu925Phefs (NM_000267.4); short protein forms L925fs.
Identifiers: ClinVar variation 2771150 (VCV002771150.4), dbSNP rs2508188482, ClinGen allele CA2697559734.